The following is an entry in ClinVar:

NM_000257.4(MYH7):c.2570C>T (p.Thr857Ile)

Genes: MYH7 (myosin heavy chain 7; minus strand), LOC126861898 (BRD4-independent group 4 enhancer GRCh37_chr14:23893609-23894808; plus strand). Cytogenetic location: 14q11.2.
Variant type: single nucleotide variant.
Coding change: c.2570C>T on transcript NM_000257.4 (MANE Select); coding-DNA position 2570, C replaced by T.
Protein change: p.Thr857Ile; replaces threonine 857 with isoleucine.
Molecular consequence: missense variant.
Genome position (GRCh38, 1-based): chr14:23,424,878, G>A on the plus strand (C>T on the coding strand, the complement: MYH7 is on the minus strand). VCF-style: chr14-23424878-G-A. GRCh37 (hg19) VCF-style: chr14-23894087-G-A.
Other names: short protein forms T857I.
Identifiers: ClinVar variation 42917 (VCV000042917.19), dbSNP rs397516158, ClinGen allele CA012630.
Genomic context (GRCh38, chr14:23,424,878, plus strand): 5'-ATCTTCTCCTCCAGCTCCTTGCGGCGAGCCTCGGACTTCTCTAGCGCCTCTTTGAGGCGT[G>A]TGAACTCCTCCTTCATGGAGGCCATCTCCTTCTCTCTTTCTGCACTCTTCAGCAGCGGCT-3'
Protein context (NP_000248.2, residues 847-867): KEMASMKEEF[Thr857Ile]RLKEALEKSE

ClinVar aggregate classification (germline): Uncertain significance. Review status: criteria provided, multiple submitters, no conflicts (2 of 4 stars). 6 submissions from 6 submitters: Uncertain significance (6). Last evaluated 2025-10-01.

Conditions:
Cardiomyopathy (CMYO). Also called: Cardiomyopathies. Identifiers: Orphanet 167848, MedGen C0878544, MONDO:0004994, HP:0001638. Inheritance: Various modes of inheritance.
MYH7-related skeletal myopathy. Also called: Myopathy, distal, 1; Laing distal myopathy; MYOPATHY, DISTAL, EARLY-ONSET, AUTOSOMAL DOMINANT; MYOPATHY, LATE DISTAL HEREDITARY; Laing early-onset distal myopathy. Identifiers: Orphanet 59135, MedGen C4552004, MONDO:0008050, OMIM 160500.
Myosin storage myopathy (CMYO7A). Also called: MYOPATHY WITH LYSIS OF TYPE I MYOFIBRILS; Scapuloperoneal myopathy, MYH7-related; SCAPULOPERONEAL MUSCULAR DYSTROPHY; SCAPULOPERONEAL SYNDROME, MYOPATHIC TYPE; MYOPATHY, HYALINE BODY, AUTOSOMAL DOMINANT; MYH7-related late-onset scapuloperoneal muscular dystrophy. Identifiers: Orphanet 437572, Orphanet 636965, MedGen C1842160, MONDO:0008409, OMIM 608358.
Myopathy, myosin storage, autosomal recessive (CMYO7B). Also called: CONGENITAL MYOPATHY 7B, MYOSIN STORAGE, AUTOSOMAL RECESSIVE. Identifiers: Orphanet 636970, MedGen C1850709, MONDO:0009708, OMIM 255160.
Hypertrophic cardiomyopathy 1 (CMH1). Also called: Familial hypertrophic cardiomyopathy 1; MYH7-Related Familial Hypertrophic Cardiomyopathy. Identifiers: MedGen C3495498, MONDO:0008647, OMIM 192600.
Dilated cardiomyopathy 1S (CMD1S). Identifiers: Orphanet 154, Orphanet 54260, MedGen C1834481, MONDO:0013262, OMIM 613426.
Congenital myopathy with fiber type disproportion. Also called: Congenital fiber-type disproportion myopathy; Congenital fiber-type disproportion. Identifiers: Orphanet 2020, MedGen C0546264, MONDO:0009711. Inheritance: all.
Hypertrophic cardiomyopathy. Also called: HYPERTROPHIC MYOCARDIOPATHY. Identifiers: Orphanet 217569, MedGen C0007194, MeSH D002312, MONDO:0005045, HP:0001639.

Allele frequency attached by ClinVar (database versions not stated): gnomAD exomes 0.00001 and below 0.00001; gnomAD 0.00001; TOPMed 0.00001.
gnomAD v4.1: 6 of 1,614,098 alleles (0.00037%); highest among the groups gnomAD compares: Non-Finnish European, 0.00034%; no homozygotes.

Submissions (6):

Labcorp Genetics (formerly Invitae), Labcorp
Classification: Uncertain significance for Hypertrophic cardiomyopathy. Last evaluated: 2025-10-01. Review status: criteria provided, single submitter. Criteria: Invitae Variant Classification Sherloc (09022015). Collection method: clinical testing. Allele origin: germline.
Comment: This sequence change replaces threonine, which is neutral and polar, with isoleucine, which is neutral and non-polar, at codon 857 of the MYH7 protein (p.Thr857Ile). This variant is present in population databases (rs397516158, gnomAD 0.002%). This missense change has been observed in individual(s) with hypertrophic cardiomyopathy (PMID: 25611685, 27532257, 37652022). ClinVar contains an entry for this variant (Variation ID: 42917). Invitae Evidence Modeling of protein sequence and biophysical properties (such as structural, functional, and spatial information, amino acid conservation, physicochemical variation, residue mobility, and thermodynamic stability) indicates that this missense variant is not expected to disrupt MYH7 protein function with a negative predictive value of 95%. This variant disrupts the p.Thr857 amino acid residue in MYH7. Other variant(s) that disrupt this residue have been determined to be pathogenic (PMID: 28986455). This suggests that this residue is clinically significant, and that variants that disrupt this residue are likely to be disease-causing. In summary, the available evidence is currently insufficient to determine the role of this variant in disease. Therefore, it has been classified as a Variant of Uncertain Significance.

Dasa
Classification: Uncertain significance. Last evaluated: 2024-05-07. Review status: criteria provided, single submitter. Criteria: DASA Assertion Criteria. Collection method: clinical testing. Allele origin: germline.
Comment: NM_000257.4(MYH7):c.2570C>T (p.Thr857Ile) is a missense variant that results in the substitution of threonine with isoleucine. The affected residue or protein region has prior evidence supporting clinical relevance. Published studies describe this variant in association with related phenotype (PMID: 29300372). Also, this variant is rare in population databases. Computational prediction algorithms are consistent with a benign effect. The currently available literature and clinical evidence are not sufficient to establish a definitive association between this variant and the reported condition. Therefore, this variant is classified as a variant of uncertain significance.

Color Diagnostics, LLC DBA Color Health
Classification: Uncertain significance for Cardiomyopathy. Last evaluated: 2023-07-06. Review status: criteria provided, single submitter. Criteria: ACMG Guidelines, 2015. Collection method: clinical testing. Allele origin: germline.
Comment: This missense variant replaces threonine with isoleucine at codon 857 of the MYH7 protein. Computational prediction suggests that this variant may not impact protein structure and function (internally defined REVEL score threshold <= 0.5, PMID: 27666373). To our knowledge, functional studies have not been reported for this variant. This variant has been reported in an individual affected with hypertrophic cardiomyopathy (PMID: 25611685, 27532257). This variant has been identified in 3/282848 chromosomes in the general population by the Genome Aggregation Database (gnomAD). The available evidence is insufficient to determine the role of this variant in disease conclusively. Therefore, this variant is classified as a Variant of Uncertain Significance.

Laboratory for Molecular Medicine, Mass General Brigham Personalized Medicine
Classification: Uncertain significance. Last evaluated: 2023-05-04. Review status: criteria provided, single submitter. Criteria: ACMG Guidelines, 2015. Collection method: clinical testing. Allele origin: germline.
Comment: The p.Thr857Ile variant in MYH7 has been reported in 1 individual with HCM who had another pathogenic variant in the same gene that explained their disease (Walsh 2017 PMID: 27532257, LMM data). This variant has also been reported by other clinical laboratories in ClinVar (Variation ID 42917) and has also been identified in 0.001% (1/68034) of European chromosomes by gnomAD (v. 3.1.2). Computational prediction tools and conservation analyses suggest that this variant may not impact the protein, though this information is not predictive enough to rule out pathogenicity. In summary, while the clinical significance of this variant is uncertain, these data suggest that it is more likely to be benign. ACMG/AMP Criteria applied: PM2_Supporting, BP4, BP5.

Fulgent Genetics
Classification: Uncertain significance for MYH7-related skeletal myopathy; Myosin storage myopathy; Hypertrophic cardiomyopathy 1; Myopathy, myosin storage, autosomal recessive; Congenital myopathy 4A, autosomal dominant; Dilated cardiomyopathy 1S. Last evaluated: 2021-09-15. Review status: criteria provided, single submitter. Criteria: ACMG Guidelines, 2015. Collection method: clinical testing. Allele origin: unknown.

Stanford Center for Inherited Cardiovascular Disease, Stanford University
Classification: Uncertain significance. Last evaluated: 2017-11-10. Review status: criteria provided, single submitter. Criteria: ACMG Guidelines, 2015. Collection method: provider interpretation. Allele origin: germline.

Literature cited by the submitters: PubMed 25611685 (cited by Labcorp Genetics (formerly Invitae), Labcorp and Color Diagnostics, LLC DBA Color Health); PubMed 27532257 (cited by Labcorp Genetics (formerly Invitae), Labcorp and Color Diagnostics, LLC DBA Color Health); PubMed 37652022 (cited by Labcorp Genetics (formerly Invitae), Labcorp); PubMed 28986455 (cited by Labcorp Genetics (formerly Invitae), Labcorp); PubMed 29300372 (cited by Dasa).